The following is an entry in ClinVar:

NM_000501.4(ELN):c.1747+93C>A

Genes: ELN (elastin; plus strand), ELN-AS1 (ELN antisense RNA 1; minus strand). Cytogenetic location: 7q11.23.
Variant type: single nucleotide variant.
Coding change: c.1747+93C>A on transcript NM_000501.4 (MANE Select); 93 bases into the intron after coding-DNA position 1747, C replaced by A.
Molecular consequence: intron variant. On other transcripts: missense variant (1).
Genome position (GRCh38, 1-based): chr7:74,060,594, C>A. VCF-style: chr7-74060594-C-A. GRCh37 (hg19) VCF-style: chr7-73474924-C-A.
Other names: c.1927C>A, p.Pro643Thr (NM_001278939.2); c.1762+93C>A (NM_001081754.3); c.1705+93C>A (NM_001081753.3); c.1765+93C>A (NM_001278915.2); c.1747+93C>A (NM_001278912.2); c.1690+93C>A (NM_001081755.3); c.1603+93C>A (NM_001278916.2); c.1504+93C>A (NM_001278913.2); and 4 more; short protein forms P643T.
Identifiers: ClinVar variation 1314459 (VCV001314459.2), dbSNP rs1554683829, ClinGen allele CA367887516.

ClinVar aggregate classification (germline): Uncertain significance (1 of 4 stars; one submission).

Submission:

GeneDx
Classification: Uncertain significance. Last evaluated: 2021-04-02. Review status: criteria provided, single submitter. Criteria: GeneDx Variant Classification Process June 2021. Collection method: clinical testing. Allele origin: germline. Affected: yes.
Comment: Has not been previously published as pathogenic or benign to our knowledge; Not observed in large population cohorts (Lek et al., 2016); At the protein level, in silico analysis supports that this variant does not alter splicing; At the mRNA level, in-silico analysis, which includes splice predictors and evolutionary conservation, is inconclusive as to whether the variant alters gene splicing. In the absence of RNA/functional studies, the actual effect of this sequence change is unknown.